The following is an entry in ClinVar:

ClinVar aggregate classification (germline): Uncertain significance (1 of 4 stars; one submission).

gnomAD v4.1: 3 of 1,613,966 alleles (0.00019%); highest among the groups gnomAD compares: Non-Finnish European, 0.00025%; no homozygotes.

Submission:

GeneDx
Classification: Uncertain significance. Last evaluated: 2025-10-20. Review status: criteria provided, single submitter. Criteria: GeneDx Variant Classification Process June 2021. Collection method: clinical testing. Allele origin: germline. Affected: yes.
Comment: In silico analysis supports that this missense variant has a deleterious effect on protein structure/function; Has not been previously published as pathogenic or benign to our knowledge

NM_007118.4(TRIO):c.3165C>A (p.His1055Gln)

Gene: TRIO (trio Rho guanine nucleotide exchange factor; plus strand). Cytogenetic location: 5p15.2.
Variant type: single nucleotide variant.
Coding change: c.3165C>A on transcript NM_007118.4 (MANE Select); coding-DNA position 3165, C replaced by A.
Protein change: p.His1055Gln; replaces histidine 1055 with glutamine.
Molecular consequence: missense variant. On other transcripts: non-coding transcript variant (1).
Genome position (GRCh38, 1-based): chr5:14,369,472, C>A. VCF-style: chr5-14369472-C-A. GRCh37 (hg19) VCF-style: chr5-14369581-C-A.
Other names: short protein forms H1055Q.
Identifiers: ClinVar variation 3373384 (VCV003373384.2).